The following is an entry in ClinVar:

NM_020631.6(PLEKHG5):c.2620C>G (p.Leu874Val)

Gene: PLEKHG5 (pleckstrin homology and RhoGEF domain containing G5; minus strand). Cytogenetic location: 1p36.31.
Variant type: single nucleotide variant.
Coding change: c.2620C>G on transcript NM_020631.6 (MANE Select); coding-DNA position 2620, C replaced by G.
Protein change: p.Leu874Val; replaces leucine 874 with valine.
Molecular consequence: missense variant.
Genome position (GRCh38, 1-based): chr1:6,468,216, G>C on the plus strand (C>G on the coding strand, the complement: PLEKHG5 is on the minus strand). VCF-style: chr1-6468216-G-C. GRCh37 (hg19) VCF-style: chr1-6528276-G-C.
Other names: c.2620C>G, p.Leu874Val (NM_001042665.2, NM_001265594.3, NM_198681.4 and 1 more transcripts); c.2731C>G, p.Leu911Val (NM_001265592.2, NM_001042663.3); c.2827C>G, p.Leu943Val (NM_001265593.2); short protein forms L943V, L911V, L874V.
Identifiers: ClinVar variation 1793947 (VCV001793947.2), dbSNP rs1644452898, ClinGen allele CA338115723.

ClinVar aggregate classification (germline): Uncertain significance (1 of 4 stars; one submission).

Conditions:
Inborn genetic diseases. Identifiers: MedGen C0950123, MeSH D030342.

Submission:

Ambry Genetics
Classification: Uncertain significance for Inborn genetic diseases. Last evaluated: 2021-12-29. Review status: criteria provided, single submitter. Criteria: Ambry Variant Classification Scheme 2023. Collection method: clinical testing. Allele origin: germline.
Comment: The p.L874V variant (also known as c.2620C>G), located in coding exon 19 of the PLEKHG5 gene, results from a C to G substitution at nucleotide position 2620. The leucine at codon 874 is replaced by valine, an amino acid with highly similar properties. This amino acid position is conserved. In addition, this alteration is predicted to be tolerated by in silico analysis. Since supporting evidence is limited at this time, the clinical significance of this alteration remains unclear.